The following is an entry in ClinVar:

NM_020433.5(JPH2):c.1106G>C (p.Ser369Thr)

Gene: JPH2 (junctophilin 2; minus strand). Cytogenetic location: 20q13.12.
Variant type: single nucleotide variant.
Coding change: c.1106G>C on transcript NM_020433.5 (MANE Select); coding-DNA position 1106, G replaced by C.
Protein change: p.Ser369Thr; replaces serine 369 with threonine.
Molecular consequence: missense variant.
Genome position (GRCh38, 1-based): chr20:44,159,681, C>G on the plus strand (G>C on the coding strand, the complement: JPH2 is on the minus strand). VCF-style: chr20-44159681-C-G. GRCh37 (hg19) VCF-style: chr20-42788321-C-G.
Other names: short protein forms S369T.
Identifiers: ClinVar variation 649320 (VCV000649320.8), dbSNP rs1600857310, ClinGen allele CA409092898.

ClinVar aggregate classification (germline): Uncertain significance (1 of 4 stars; one submission).

Conditions:
Hypertrophic cardiomyopathy. Also called: HYPERTROPHIC MYOCARDIOPATHY. Identifiers: Orphanet 217569, MedGen C0007194, MeSH D002312, MONDO:0005045, HP:0001639.

Submission:

Labcorp Genetics (formerly Invitae), Labcorp
Classification: Uncertain significance for Hypertrophic cardiomyopathy. Last evaluated: 2022-08-23. Review status: criteria provided, single submitter. Criteria: Invitae Variant Classification Sherloc (09022015). Collection method: clinical testing. Allele origin: germline.
Comment: In summary, the available evidence is currently insufficient to determine the role of this variant in disease. Therefore, it has been classified as a Variant of Uncertain Significance. Algorithms developed to predict the effect of missense changes on protein structure and function are either unavailable or do not agree on the potential impact of this missense change (SIFT: "Deleterious"; PolyPhen-2: "Benign"; Align-GVGD: "Class C0"). ClinVar contains an entry for this variant (Variation ID: 649320). This variant has not been reported in the literature in individuals affected with JPH2-related conditions. This variant is not present in population databases (gnomAD no frequency). This sequence change replaces serine, which is neutral and polar, with threonine, which is neutral and polar, at codon 369 of the JPH2 protein (p.Ser369Thr).